The following is an entry in ClinVar:

NM_001375524.1(TRRAP):c.1339C>T (p.Arg447Trp)

Gene: TRRAP (transformation/transcription domain associated protein; plus strand). Cytogenetic location: 7q22.1.
Variant type: single nucleotide variant.
Coding change: c.1339C>T on transcript NM_001375524.1 (MANE Select); coding-DNA position 1339, C replaced by T.
Protein change: p.Arg447Trp; replaces arginine 447 with tryptophan.
Molecular consequence: missense variant.
Genome position (GRCh38, 1-based): chr7:98,908,951, C>T. VCF-style: chr7-98908951-C-T. GRCh37 (hg19) VCF-style: chr7-98506574-C-T.
Other names: c.1339C>T (NM_003496.3); c.1339C>T, p.Arg447Trp (NM_001244580.2, NM_003496.4); short protein forms R447W.
Identifiers: ClinVar variation 3012533 (VCV003012533.4), dbSNP rs782078583, ClinGen allele CA4359483.

ClinVar aggregate classification (germline): Uncertain significance. Review status: criteria provided, multiple submitters, no conflicts (2 of 4 stars). 2 submissions from 2 submitters: Uncertain significance (2). Last evaluated 2023-11-07.

Allele frequency attached by ClinVar (database versions not stated): TOPMed below 0.00001.
gnomAD v4.1: 6 of 1,612,560 alleles (0.00037%); highest among the groups gnomAD compares: East Asian, 0.0022%; no homozygotes.

Submissions (2):

GeneDx
Classification: Uncertain significance. Last evaluated: 2023-11-07. Review status: criteria provided, single submitter. Criteria: GeneDx Variant Classification Process June 2021. Collection method: clinical testing. Allele origin: germline. Affected: yes.
Comment: In silico analysis supports that this missense variant has a deleterious effect on protein structure/function; Has not been previously published as pathogenic or benign to our knowledge

Labcorp Genetics (formerly Invitae), Labcorp
Classification: Uncertain significance. Last evaluated: 2023-07-27. Review status: criteria provided, single submitter. Criteria: Invitae Variant Classification Sherloc (09022015). Collection method: clinical testing. Allele origin: germline.
Comment: In summary, the available evidence is currently insufficient to determine the role of this variant in disease. Therefore, it has been classified as a Variant of Uncertain Significance. Advanced modeling of protein sequence and biophysical properties (such as structural, functional, and spatial information, amino acid conservation, physicochemical variation, residue mobility, and thermodynamic stability) performed at Invitae indicates that this missense variant is not expected to disrupt TRRAP protein function. This variant has not been reported in the literature in individuals affected with TRRAP-related conditions. This variant is not present in population databases (gnomAD no frequency). This sequence change replaces arginine, which is basic and polar, with tryptophan, which is neutral and slightly polar, at codon 447 of the TRRAP protein (p.Arg447Trp).